The following is an entry in ClinVar:

NM_001110556.2(FLNA):c.5002G>A (p.Glu1668Lys)

Gene: FLNA (filamin A; minus strand). Cytogenetic location: Xq28.
Variant type: single nucleotide variant.
Coding change: c.5002G>A on transcript NM_001110556.2 (MANE Select); coding-DNA position 5002, G replaced by A.
Protein change: p.Glu1668Lys; replaces glutamic acid 1668 with lysine.
Molecular consequence: missense variant.
Genome position (GRCh38, 1-based): chrX:154,355,040, C>T on the plus strand (G>A on the coding strand, the complement: FLNA is on the minus strand). VCF-style: chrX-154355040-C-T. GRCh37 (hg19) VCF-style: chrX-153583408-C-T.
Other names: c.4978G>A, p.Glu1660Lys (NM_001456.4); short protein forms E1660K, E1668K.
Identifiers: ClinVar variation 3391311 (VCV003391311.1).

ClinVar aggregate classification (germline): Uncertain significance (1 of 4 stars; one submission).

Conditions:
Frontometaphyseal dysplasia 1 (FMD1). Also called: Frontometaphyseal Dysplasia (FLNA-FMD). Identifiers: Orphanet 1826, MedGen C4281559, MONDO:0024550, OMIM 305620.

Submission:

Neuberg Centre For Genomic Medicine, NCGM
Classification: Uncertain significance for Frontometaphyseal dysplasia 1. Review status: criteria provided, single submitter. Criteria: ACMG Guidelines, 2015. Collection method: clinical testing. Allele origin: germline. Inheritance: X-linked recessive inheritance. Affected: yes.
Comment: The observed missense c.5002G>Ap.Glu1668Lys variant in FLNA gene has not been reported previously as a pathogenic variant nor as a benign variant, to our knowledge. This variant is absent in gnomAD Exomes. The amino acid Glu at position 1668 is changed to a Lys changing protein sequence and it might alter its composition and physico-chemical properties. The amino acid change p.Glu1668Lys in FLNA is predicted as conserved by GERP++ and PhyloP across 100 vertebrates. Multiple lines of computational evidence Polyphen - Possibly Damaging, SIFT - Damaging, and MutationTaster - Disease causing predict a damaging effect on protein structure and function for this variant. For these reasons, this variant has been classified as Uncertain Significance.